The following is an entry in ClinVar:

ClinVar aggregate classification (germline): Uncertain significance (1 of 4 stars; one submission).

Allele frequency attached by ClinVar (database versions not stated): gnomAD exomes below 0.00001; TOPMed 0.00001; gnomAD 0.00003.
gnomAD v4.1: 8 of 1,613,804 alleles (0.0005%); highest among the groups gnomAD compares: African/African-American, 0.011%; no homozygotes.

Submission:

Labcorp Genetics (formerly Invitae), Labcorp
Classification: Uncertain significance. Last evaluated: 2023-08-17. Review status: criteria provided, single submitter. Criteria: Invitae Variant Classification Sherloc (09022015). Collection method: clinical testing. Allele origin: germline.
Comment: Advanced modeling of protein sequence and biophysical properties (such as structural, functional, and spatial information, amino acid conservation, physicochemical variation, residue mobility, and thermodynamic stability) performed at Invitae indicates that this missense variant is not expected to disrupt SLC9A3 protein function. ClinVar contains an entry for this variant (Variation ID: 1367016). This variant has not been reported in the literature in individuals affected with SLC9A3-related conditions. This variant is present in population databases (no rsID available, gnomAD 0.01%). This sequence change replaces proline with histidine at codon 642 of the SLC9A3 protein (p.Pro642His). The proline residue is weakly conserved and there is a moderate physicochemical difference between proline and histidine. In summary, the available evidence is currently insufficient to determine the role of this variant in disease. Therefore, it has been classified as a Variant of Uncertain Significance.

NM_004174.4(SLC9A3):c.1925C>A (p.Pro642His)

Genes: SLC9A3 (solute carrier family 9 member A3), SLC9A3-AS1 (SLC9A3 antisense RNA 1; plus strand). Cytogenetic location: 5p15.33.
Variant type: single nucleotide variant.
Coding change: c.1925C>A on transcript NM_004174.4 (MANE Select); coding-DNA position 1925, C replaced by A.
Protein change: p.Pro642His; replaces proline 642 with histidine.
Molecular consequence: missense variant. On other transcripts: non-coding transcript variant (1).
Genome position (GRCh38, 1-based): chr5:476,344, G>T on the plus strand (C>A on the coding strand, the complement: SLC9A3 is on the minus strand). VCF-style: chr5-476344-G-T. GRCh37 (hg19) VCF-style: chr5-476459-G-T.
Other names: c.1898C>A, p.Pro633His (NM_001284351.3); short protein forms P633H, P642H.
Identifiers: ClinVar variation 1367016 (VCV001367016.8), dbSNP rs1391383862, ClinGen allele CA359025342.